The following is an entry in ClinVar:

NM_152618.3(BBS12):c.1853A>G (p.Tyr618Cys)

Gene: BBS12 (Bardet-Biedl syndrome 12; plus strand). Cytogenetic location: 4q27.
Variant type: single nucleotide variant.
Coding change: c.1853A>G on transcript NM_152618.3 (MANE Select); coding-DNA position 1853, A replaced by G.
Protein change: p.Tyr618Cys; replaces tyrosine 618 with cysteine.
Molecular consequence: missense variant.
Genome position (GRCh38, 1-based): chr4:122,743,745, A>G. VCF-style: chr4-122743745-A-G. GRCh37 (hg19) VCF-style: chr4-123664900-A-G.
Other names: c.1853A>G (NM_152618.2); c.1853A>G, p.Tyr618Cys (NM_001178007.2); short protein forms Y618C.
Identifiers: ClinVar variation 1947393 (VCV001947393.6), dbSNP rs759516566, ClinGen allele CA3069521.

ClinVar aggregate classification (germline): Uncertain significance. Review status: criteria provided, multiple submitters, no conflicts (2 of 4 stars). 2 submissions from 2 submitters: Uncertain significance (2). Last evaluated 2024-12-02.

Conditions:
BBS12-related disorder. Also called: BBS12-related condition.
Bardet-Biedl syndrome (BBS). Identifiers: Orphanet 110, MedGen C0752166, MONDO:0015229.

Allele frequency attached by ClinVar (database versions not stated): gnomAD exomes below 0.00001; ExAC 0.00001.

Submissions (2):

PreventionGenetics, part of Exact Sciences
Classification: Uncertain significance for BBS12-related condition. Last evaluated: 2024-12-02. Review status: criteria provided, single submitter. Criteria: ACMG Guidelines, 2015. Collection method: clinical testing. Allele origin: germline.
Comment: The BBS12 c.1853A>G variant is predicted to result in the amino acid substitution p.Tyr618Cys. To our knowledge, this variant has not been reported in the literature. This variant is reported in 0.0029% of alleles in individuals of Latino descent in gnomAD. At this time, the clinical significance of this variant is uncertain due to the absence of conclusive functional and genetic evidence.

Labcorp Genetics (formerly Invitae), Labcorp
Classification: Uncertain significance for Bardet-Biedl syndrome. Last evaluated: 2023-08-04. Review status: criteria provided, single submitter. Criteria: Invitae Variant Classification Sherloc (09022015). Collection method: clinical testing. Allele origin: germline.
Comment: ClinVar contains an entry for this variant (Variation ID: 1947393). In summary, the available evidence is currently insufficient to determine the role of this variant in disease. Therefore, it has been classified as a Variant of Uncertain Significance. Advanced modeling of protein sequence and biophysical properties (such as structural, functional, and spatial information, amino acid conservation, physicochemical variation, residue mobility, and thermodynamic stability) performed at Invitae indicates that this missense variant is not expected to disrupt BBS12 protein function. This variant has not been reported in the literature in individuals affected with BBS12-related conditions. This variant is present in population databases (rs759516566, gnomAD 0.003%). This sequence change replaces tyrosine, which is neutral and polar, with cysteine, which is neutral and slightly polar, at codon 618 of the BBS12 protein (p.Tyr618Cys).